The following is an entry in ClinVar:

ClinVar aggregate classification (germline): Conflicting classifications of pathogenicity. Review status: criteria provided, conflicting classifications (1 of 4 stars). 7 submissions from 7 submitters: Uncertain significance (6); Likely benign (1). Last evaluated 2026-08-31.

Conditions:
ABCB11-related disorder. Also called: ABCB11-related condition.
Familial intrahepatic cholestasis. Identifiers: Orphanet 284385, MedGen CN296401, MONDO:0017290.
Progressive familial intrahepatic cholestasis type 2. Identifiers: Orphanet 79304, MedGen C3489789, MONDO:0011156, OMIM 601847.
Benign recurrent intrahepatic cholestasis type 2 (BRIC2). Also called: Recurrent familial intrahepatic cholestasis 2. Identifiers: Orphanet 65682, Orphanet 99961, MedGen C2608083, MONDO:0011559, OMIM 605479.

Allele frequency attached by ClinVar (database versions not stated): ESP Exome Variant Server 0.00008; ExAC 0.00010; gnomAD exomes 0.00011 and 0.00018; 1000 Genomes Project 0.00020; gnomAD 0.00024 and 0.00025; TOPMed 0.00028; 1000 Genomes Project 30x 0.00031.

Submissions (7):

PreventionGenetics, part of Exact Sciences
Classification: Uncertain significance for ABCB11-related condition. Last evaluated: 2026-08-31. Review status: criteria provided, single submitter. Criteria: ACMG Guidelines, 2015. Collection method: clinical testing. Allele origin: germline.
Comment: The ABCB11 c.1396C>A variant is predicted to result in the amino acid substitution p.Gln466Lys. This variant has been reported in patients with familial intrahepatic cholestasis or liver disease, (Strautnieks et al. 2008. PubMed ID: 18395098; Byrne et al. 2009. PubMed ID: 19101985; supplementary data, Nayagam et al. 2022. PubMed ID: 35894240). This variant is reported in 0.062% of alleles in individuals of African descent in gnomAD. At this time, the clinical significance of this variant is uncertain due to the absence of conclusive functional and genetic evidence.

Genomenon, Inc
Classification: Uncertain significance for Familial intrahepatic cholestasis. Last evaluated: 2026-04-14. Review status: criteria provided, single submitter. Criteria: Genomenon Sequence Variant Interpretation Standards - Updated. Collection method: curation. Allele origin: germline. Affected: yes.
Comment: ABCB11 p.Gln466Lys (c.1396C>A) is a missense variant that changes the amino acid at residue 466 from Glutamine to Lysine. This variant has been observed in at least one proband with an ABCB11-related disorder (PMID:18395098). At least one splicing study demonstrated no effect on splicing (PMID:19101985). In silico models predict that this variant is possibly or probably damaging. In conclusion, we classify ABCB11 p.Gln466Lys (c.1396C>A) as a variant of uncertain significance.

Labcorp Genetics (formerly Invitae), Labcorp
Classification: Likely benign. Last evaluated: 2026-01-24. Review status: criteria provided, single submitter. Criteria: Invitae Variant Classification Sherloc (09022015). Collection method: clinical testing. Allele origin: germline.

GeneDx
Classification: Uncertain significance. Last evaluated: 2024-11-10. Review status: criteria provided, single submitter. Criteria: GeneDx Variant Classification Process June 2021. Collection method: clinical testing. Allele origin: germline. Affected: yes.
Comment: Identified in patients with chronic liver disease in published literature, however, a second variant in the ABCB11 gene was not identified in these individuals (PMID: 18395098, 35894240); In silico analysis supports that this missense variant has a deleterious effect on protein structure/function; This variant is associated with the following publications: (PMID: 19101985, 34426522, 18395098, 35894240, 35626323, KhedrMA2024[casereport])

Fulgent Genetics
Classification: Uncertain significance for Progressive familial intrahepatic cholestasis type 2; Benign recurrent intrahepatic cholestasis type 2. Last evaluated: 2022-03-14. Review status: criteria provided, single submitter. Criteria: ACMG Guidelines, 2015. Collection method: clinical testing. Allele origin: unknown.

Eurofins Ntd Llc (ga)
Classification: Uncertain significance. Last evaluated: 2017-11-08. Review status: criteria provided, single submitter. Criteria: EGL Classification Definitions 2015. Collection method: clinical testing. Allele origin: germline. Observed: 3 variant alleles, 3 heterozygotes.

Breakthrough Genomics
Classification: Uncertain significance. Review status: criteria provided, single submitter. Criteria: ACMG Guidelines, 2015. Collection method: not provided. Allele origin: germline. Inheritance: Autosomal recessive inheritance. Affected: yes.

Literature cited by the submitters: PubMed 18395098 (cited by Genomenon, Inc); PubMed 19101985 (cited by Genomenon, Inc).

NM_003742.4(ABCB11):c.1396C>A (p.Gln466Lys)

Gene: ABCB11 (ATP binding cassette subfamily B member 11; minus strand). Cytogenetic location: 2q31.1.
Variant type: single nucleotide variant.
Coding change: c.1396C>A on transcript NM_003742.4 (MANE Select); coding-DNA position 1396, C replaced by A.
Protein change: p.Gln466Lys; replaces glutamine 466 with lysine.
Molecular consequence: missense variant.
Genome position (GRCh38, 1-based): chr2:168,973,753, G>T on the plus strand (C>A on the coding strand, the complement: ABCB11 is on the minus strand). VCF-style: chr2-168973753-G-T. GRCh37 (hg19) VCF-style: chr2-169830263-G-T.
Other names: c.1396C>A (NM_003742.2); c.1396C>A, p.Gln466Lys (LRG_1199t1); short protein forms Q466K.
Identifiers: ClinVar variation 500867 (VCV000500867.14), dbSNP rs200148505, ClinGen allele CA1951595.